The following is an entry in ClinVar:

ClinVar aggregate classification (germline): Uncertain significance. Review status: criteria provided, multiple submitters, no conflicts (2 of 4 stars). 2 submissions from 2 submitters: Uncertain significance (2). Last evaluated 2025-12-10.

Conditions:
Hereditary cancer-predisposing syndrome. Also called: Neoplastic Syndromes, Hereditary; Tumor predisposition; Hereditary Cancer Syndrome; Hereditary neoplastic syndrome. Identifiers: Orphanet 140162, MedGen C0027672, MeSH D009386, MONDO:0015356.
Gastrointestinal stromal tumor. Also called: Gastrointestinal stromal tumor, somatic; Gastrointestinal stroma tumor. Identifiers: Orphanet 44890, MedGen C0238198, MeSH D046152, MONDO:0011719, OMIM 606764, HP:0100723.

Allele frequency attached by ClinVar (database versions not stated): gnomAD exomes below 0.00001.
gnomAD v4.1: 1 of 1,614,094 alleles (0.000062%); highest among the groups gnomAD compares: Non-Finnish European, 0.000085%; no homozygotes.

Submissions (2):

Labcorp Genetics (formerly Invitae), Labcorp
Classification: Uncertain significance for Gastrointestinal stromal tumor. Last evaluated: 2025-12-10. Review status: criteria provided, single submitter. Criteria: Invitae Variant Classification Sherloc (09022015). Collection method: clinical testing. Allele origin: germline.
Comment: This sequence change replaces aspartic acid, which is acidic and polar, with asparagine, which is neutral and polar, at codon 952 of the KIT protein (p.Asp952Asn). This variant is not present in population databases (gnomAD no frequency). This variant has not been reported in the literature in individuals affected with KIT-related conditions. ClinVar contains an entry for this variant (Variation ID: 649680). An algorithm developed to predict the effect of missense changes on protein structure and function (PolyPhen-2) suggests that this variant is likely to be disruptive. In summary, the available evidence is currently insufficient to determine the role of this variant in disease. Therefore, it has been classified as a Variant of Uncertain Significance.

Ambry Genetics
Classification: Uncertain significance for Hereditary cancer-predisposing syndrome. Last evaluated: 2024-02-13. Review status: criteria provided, single submitter. Criteria: Ambry Variant Classification Scheme 2023. Collection method: clinical testing. Allele origin: germline.
Comment: The p.D952N variant (also known as c.2854G>A), located in coding exon 21 of the KIT gene, results from a G to A substitution at nucleotide position 2854. The aspartic acid at codon 952 is replaced by asparagine, an amino acid with highly similar properties. This amino acid position is conserved. In addition, this alteration is predicted to be tolerated by in silico analysis. Based on the available evidence, the clinical significance of this alteration remains unclear.

NM_000222.3(KIT):c.2854G>A (p.Asp952Asn)

Gene: KIT (KIT proto-oncogene, receptor tyrosine kinase; plus strand). Cytogenetic location: 4q12.
Variant type: single nucleotide variant.
Coding change: c.2854G>A on transcript NM_000222.3 (MANE Select); coding-DNA position 2854, G replaced by A.
Protein change: p.Asp952Asn; replaces aspartic acid 952 with asparagine.
Molecular consequence: missense variant.
Genome position (GRCh38, 1-based): chr4:54,738,480, G>A. VCF-style: chr4-54738480-G-A. GRCh37 (hg19) VCF-style: chr4-55604646-G-A.
Other names: c.2842G>A, p.Asp948Asn (NM_001093772.2, NM_001385292.1); c.2857G>A, p.Asp953Asn (NM_001385284.1); c.2851G>A, p.Asp951Asn (NM_001385285.1); c.2839G>A, p.Asp947Asn (NM_001385286.1); c.2845G>A, p.Asp949Asn (NM_001385288.1); c.2854G>A, p.Asp952Asn (NM_001385290.1); short protein forms D948N, D952N, D947N, D949N, D951N, D953N.
Identifiers: ClinVar variation 649680 (VCV000649680.10), dbSNP rs1578009883, ClinGen allele CA356916139.